The following is an entry in ClinVar:

ClinVar aggregate classification (germline): Uncertain significance (1 of 4 stars; one submission).

Submission:

GeneDx
Classification: Uncertain significance. Last evaluated: 2023-12-02. Review status: criteria provided, single submitter. Criteria: GeneDx Variant Classification Process June 2021. Collection method: clinical testing. Allele origin: germline. Affected: yes.
Comment: Not observed at significant frequency in large population cohorts (gnomAD); In silico analysis supports that this missense variant has a deleterious effect on protein structure/function; Has not been previously published as pathogenic or benign to our knowledge

NM_001429.4(EP300):c.4622C>T (p.Thr1541Ile)

Gene: EP300 (E1A binding protein p300; plus strand). Cytogenetic location: 22q13.2.
Variant type: single nucleotide variant.
Coding change: c.4622C>T on transcript NM_001429.4 (MANE Select); coding-DNA position 4622, C replaced by T.
Protein change: p.Thr1541Ile; replaces threonine 1541 with isoleucine.
Molecular consequence: missense variant.
Genome position (GRCh38, 1-based): chr22:41,173,627, C>T. VCF-style: chr22-41173627-C-T. GRCh37 (hg19) VCF-style: chr22-41569631-C-T.
Other names: c.4544C>T, p.Thr1515Ile (NM_001362843.2); short protein forms T1515I, T1541I.
Identifiers: ClinVar variation 3365124 (VCV003365124.1).